The following is an entry in ClinVar:

ClinVar aggregate classification (germline): Uncertain significance (1 of 4 stars; one submission).

Submission:

GeneDx
Classification: Uncertain significance. Last evaluated: 2024-06-04. Review status: criteria provided, single submitter. Criteria: GeneDx Variant Classification Process June 2021. Collection method: clinical testing. Allele origin: germline. Affected: yes.
Comment: Not observed at significant frequency in large population cohorts (gnomAD); In silico analysis supports that this missense variant has a deleterious effect on protein structure/function; Has not been previously published as pathogenic or benign to our knowledge

NM_001904.4(CTNNB1):c.115G>A (p.Ala39Thr)

Genes: CTNNB1 (catenin beta 1; plus strand), LOC126806658 (BRD4-independent group 4 enhancer GRCh37_chr3:41265899-41267098; plus strand). Cytogenetic location: 3p22.1.
Variant type: single nucleotide variant.
Coding change: c.115G>A on transcript NM_001904.4 (MANE Select); coding-DNA position 115, G replaced by A.
Protein change: p.Ala39Thr; replaces alanine 39 with threonine.
Molecular consequence: missense variant.
Genome position (GRCh38, 1-based): chr3:41,224,627, G>A. VCF-style: chr3-41224627-G-A. GRCh37 (hg19) VCF-style: chr3-41266118-G-A.
Other names: c.115G>A, p.Ala39Thr (NM_001098209.2, NM_001098210.2); c.94G>A, p.Ala32Thr (NM_001330729.2); short protein forms A32T, A39T.
Identifiers: ClinVar variation 3384245 (VCV003384245.1).
Genomic context (GRCh38, chr3:41,224,627, plus strand): 5'-AAAGCGGCTGTTAGTCACTGGCAGCAACAGTCTTACCTGGACTCTGGAATCCATTCTGGT[G>A]CCACTACCACAGCTCCTTCTCTGAGTGGTAAAGGCAATCCTGAGGAAGAGGATGTGGATA-3'
Protein context (NP_001895.1, residues 29-49): SYLDSGIHSG[Ala39Thr]TTTAPSLSGK